The following is an entry in ClinVar:

ClinVar aggregate classification (germline): Benign/Likely benign. Review status: criteria provided, multiple submitters, no conflicts (2 of 4 stars). 4 submissions from 4 submitters: Benign (1); Likely benign (3). Last evaluated 2025-10-15.

Conditions:
Hypotonia, infantile, with psychomotor retardation and characteristic facies 2 (IHPRF2). Also called: UNC80 Deficiency. Identifiers: Orphanet 371364, Orphanet 700333, MedGen C4225203, MONDO:0014777, OMIM 616801.

Allele frequency attached by ClinVar (database versions not stated): gnomAD 0.00009; TOPMed 0.00009; 1000 Genomes Project 30x 0.00078; 1000 Genomes Project 0.00080; ExAC 0.00161.
gnomAD v4.1: 422 of 1,549,328 alleles (0.027%); highest among the groups gnomAD compares: South Asian, 0.33%; 6 homozygotes.

Submissions (4):

Labcorp Genetics (formerly Invitae), Labcorp
Classification: Benign. Last evaluated: 2025-10-15. Review status: criteria provided, single submitter. Criteria: Invitae Variant Classification Sherloc (09022015). Collection method: clinical testing. Allele origin: germline.

CeGaT Center for Human Genetics Tuebingen
Classification: Likely benign. Last evaluated: 2025-07-01. Review status: criteria provided, single submitter. Criteria: CeGaT Center For Human Genetics Tuebingen Variant Classification Criteria Version 2. Collection method: clinical testing. Allele origin: germline. Affected: yes. Observed: 2 variant alleles.
Comment: UNC80: BP4, BP7

Blueprint Genetics
Classification: Likely benign. Last evaluated: 2024-10-24. Review status: criteria provided, single submitter. Criteria: ACMG Guidelines, 2015. Collection method: clinical testing. Allele origin: germline.

Fulgent Genetics
Classification: Likely benign for Hypotonia, infantile, with psychomotor retardation and characteristic facies 2. Last evaluated: 2021-09-21. Review status: criteria provided, single submitter. Criteria: ACMG Guidelines, 2015. Collection method: clinical testing. Allele origin: unknown.

NM_001371986.1(UNC80):c.9078G>A (p.Ser3026=)

Gene: UNC80 (unc-80 subunit of NALCN channel complex; plus strand). Cytogenetic location: 2q34.
Variant type: single nucleotide variant.
Coding change: c.9078G>A on transcript NM_001371986.1 (MANE Select); coding-DNA position 9078, G replaced by A.
Protein change: p.Ser3026=; no amino-acid change (serine 3026 retained).
Molecular consequence: synonymous variant.
Genome position (GRCh38, 1-based): chr2:209,978,668, G>A. VCF-style: chr2-209978668-G-A. GRCh37 (hg19) VCF-style: chr2-210843392-G-A.
Other names: c.8880G>A, p.Ser2960= (NM_032504.2); c.8865G>A, p.Ser2955= (NM_182587.4).
Identifiers: ClinVar variation 711198 (VCV000711198.25), dbSNP rs564176510, ClinGen allele CA2083622.